The following is an entry in ClinVar:

NM_001458.5(FLNC):c.996G>A (p.Lys332=)

Gene: FLNC (filamin C; plus strand). Cytogenetic location: 7q32.1.
Variant type: single nucleotide variant.
Coding change: c.996G>A on transcript NM_001458.5 (MANE Select); coding-DNA position 996, G replaced by A.
Protein change: p.Lys332=; no amino-acid change (lysine 332 retained).
Molecular consequence: synonymous variant.
Genome position (GRCh38, 1-based): chr7:128,838,013, G>A. VCF-style: chr7-128838013-G-A. GRCh37 (hg19) VCF-style: chr7-128478067-G-A.
Other names: c.996G>A, p.Lys332= (NM_001127487.2).
Identifiers: ClinVar variation 4993161 (VCV004993161.1).

ClinVar aggregate classification (germline): Likely benign (1 of 4 stars; one submission).

Conditions:
FLNC-related disorder. Also called: FLNC-related condition; FLNC-related disorders.

Submission:

PreventionGenetics, part of Exact Sciences
Classification: Likely benign for FLNC-related condition. Last evaluated: 2026-03-30. Review status: criteria provided, single submitter. Criteria: ACMG Guidelines, 2015. Collection method: clinical testing. Allele origin: germline.
Comment: This variant is classified as likely benign based on ACMG/AMP sequence variant interpretation guidelines (Richards et al. 2015 PMID: 25741868, with internal and published modifications).